The following is an entry in ClinVar:

NM_004525.3(LRP2):c.8123C>T (p.Ser2708Phe)

Gene: LRP2 (LDL receptor related protein 2; minus strand). Cytogenetic location: 2q31.1.
Variant type: single nucleotide variant.
Coding change: c.8123C>T on transcript NM_004525.3 (MANE Select); coding-DNA position 8123, C replaced by T.
Protein change: p.Ser2708Phe; replaces serine 2708 with phenylalanine.
Molecular consequence: missense variant.
Genome position (GRCh38, 1-based): chr2:169,202,842, G>A on the plus strand (C>T on the coding strand, the complement: LRP2 is on the minus strand). VCF-style: chr2-169202842-G-A. GRCh37 (hg19) VCF-style: chr2-170059352-G-A.
Other names: short protein forms S2708F.
Identifiers: ClinVar variation 1525317 (VCV001525317.6), dbSNP rs765246382, ClinGen allele CA1953929.
Genomic context (GRCh38, chr2:169,202,842, plus strand): 5'-CCATCCCCACAGTCGTTGTCATTATCACACTTCCACTCTTCCGAGATGCAGCGCCCATTG[G>A]AGCAGGTGAAGGAAGATGCACCACATCGTTCACCATTGTCCACAATGCAGTGCTTCCTGT-3'
Protein context (NP_004516.2, residues 2698-2718): ERCGASSFTC[Ser2708Phe]NGRCISEEWK

ClinVar aggregate classification (germline): Uncertain significance. Review status: criteria provided, multiple submitters, no conflicts (2 of 4 stars). 2 submissions from 2 submitters: Uncertain significance (2). Last evaluated 2022-02-25.

Conditions:
Donnai-Barrow syndrome. Also called: DBS/FOAR SYNDROME; FACIOOCULOACOUSTICORENAL SYNDROME. Identifiers: Orphanet 2143, MedGen C1857277, MONDO:0009104, OMIM 222448.

gnomAD v4.1: 147 of 1,614,030 alleles (0.0091%); highest among the groups gnomAD compares: Non-Finnish European, 0.012%; no homozygotes.

Submissions (2):

Labcorp Genetics (formerly Invitae), Labcorp
Classification: Uncertain significance. Last evaluated: 2022-02-25. Review status: criteria provided, single submitter. Criteria: Invitae Variant Classification Sherloc (09022015). Collection method: clinical testing. Allele origin: germline.
Comment: This sequence change replaces serine, which is neutral and polar, with phenylalanine, which is neutral and non-polar, at codon 2708 of the LRP2 protein (p.Ser2708Phe). This variant is present in population databases (rs765246382, gnomAD 0.004%). This variant has not been reported in the literature in individuals affected with LRP2-related conditions. Advanced modeling of protein sequence and biophysical properties (such as structural, functional, and spatial information, amino acid conservation, physicochemical variation, residue mobility, and thermodynamic stability) performed at Invitae indicates that this missense variant is not expected to disrupt LRP2 protein function. In summary, the available evidence is currently insufficient to determine the role of this variant in disease. Therefore, it has been classified as a Variant of Uncertain Significance.

Fulgent Genetics
Classification: Uncertain significance for Donnai-Barrow syndrome. Last evaluated: 2021-11-30. Review status: criteria provided, single submitter. Criteria: ACMG Guidelines, 2015. Collection method: clinical testing. Allele origin: unknown.